The following is an entry in ClinVar:

ClinVar aggregate classification (germline): Uncertain significance. Review status: criteria provided, multiple submitters, no conflicts (2 of 4 stars). 3 submissions from 3 submitters: Uncertain significance (3). Last evaluated 2021-05-17.

Conditions:
Emery-Dreifuss muscular dystrophy 4, autosomal dominant (EDMD4). Also called: EMERY-DREIFUSS MUSCULAR DYSTROPHY 4 WITH VARIABLE FEATURES. Identifiers: Orphanet 261, MedGen C2751807, MONDO:0013071, OMIM 612998.
Autosomal recessive ataxia, Beauce type. Also called: Spinocerebellar ataxia, autosomal recessive 8; ATAXIA, RECESSIVE, OF BEAUCE; SYNE1-Related Autosomal Recessive Cerebellar Ataxia; SYNE1 Deficiency. Identifiers: Orphanet 88644, MedGen C1853116, MONDO:0012549, OMIM 610743.

Allele frequency attached by ClinVar (database versions not stated): ExAC 0.00001; gnomAD exomes 0.00001 and 0.00002; TOPMed 0.00001; gnomAD 0.00003.
gnomAD v4.1: 31 of 1,614,086 alleles (0.0019%); highest among the groups gnomAD compares: Non-Finnish European, 0.0025%; no homozygotes.

Submissions (3):

Revvity Omics, Revvity
Classification: Uncertain significance. Last evaluated: 2021-05-17. Review status: criteria provided, single submitter. Criteria: ACMG Guidelines, 2015. Collection method: clinical testing. Allele origin: germline.

Labcorp Genetics (formerly Invitae), Labcorp
Classification: Uncertain significance for Emery-Dreifuss muscular dystrophy 4, autosomal dominant; Autosomal recessive ataxia, Beauce type. Last evaluated: 2020-03-18. Review status: criteria provided, single submitter. Criteria: Invitae Variant Classification Sherloc (09022015). Collection method: clinical testing. Allele origin: germline.
Comment: In summary, the available evidence is currently insufficient to determine the role of this variant in disease. Therefore, it has been classified as a Variant of Uncertain Significance. Algorithms developed to predict the effect of missense changes on protein structure and function (SIFT, PolyPhen-2, Align-GVGD) all suggest that this variant is likely to be disruptive, but these predictions have not been confirmed by published functional studies and their clinical significance is uncertain. This variant has not been reported in the literature in individuals with SYNE1-related conditions. ClinVar contains an entry for this variant (Variation ID: 453112). This variant is present in population databases (rs375432465, ExAC 0.001%). This sequence change replaces glutamic acid with glycine at codon 5132 of the SYNE1 protein (p.Glu5132Gly). The glutamic acid residue is highly conserved and there is a moderate physicochemical difference between glutamic acid and glycine.

GeneDx
Classification: Uncertain significance. Last evaluated: 2017-11-06. Review status: criteria provided, single submitter. Criteria: GeneDx Variant Classification (06012015). Collection method: clinical testing. Allele origin: germline. Affected: yes.
Comment: A variant of uncertain significance has been identified in the SYNE1 gene. The E5132G variant has not been published as a pathogenic variant, nor has it been reported as a benign variant to our knowledge. The E5132G variant is not observed at a significant frequency in large population cohorts (Lek et al., 2016). The E5132G variant is a non-conservative amino acid substitution, which is likely to impact secondary protein structure as these residues differ in polarity, charge, size and/or other properties. However, this substitution occurs at a position that is not conserved. In silico analysis is inconsistent in its predictions as to whether or not the variant is damaging to the protein structure/function. Therefore, based on the currently available information, it is unclear whether this variant is a pathogenic variant or a rare benign variant.

NM_182961.4(SYNE1):c.15608A>G (p.Glu5203Gly)

Gene: SYNE1 (spectrin repeat containing nuclear envelope protein 1; minus strand). Cytogenetic location: 6q25.2.
Variant type: single nucleotide variant.
Coding change: c.15608A>G on transcript NM_182961.4 (MANE Select); coding-DNA position 15608, A replaced by G.
Protein change: p.Glu5203Gly; replaces glutamic acid 5203 with glycine.
Molecular consequence: missense variant.
Genome position (GRCh38, 1-based): chr6:152,325,133, T>C on the plus strand (A>G on the coding strand, the complement: SYNE1 is on the minus strand). VCF-style: chr6-152325133-T-C. GRCh37 (hg19) VCF-style: chr6-152646268-T-C.
Other names: c.15395A>G, p.Glu5132Gly (NM_033071.5); short protein forms E5132G, E5203G.
Identifiers: ClinVar variation 453112 (VCV000453112.13), dbSNP rs375432465, ClinGen allele CA4055740.
Genomic context (GRCh38, chr6:152,325,133, plus strand): 5'-GTGGAAACTACCTTGTTGTTAAAGCCCGTCCACTCATCCACTGCATCTTCCAGGATCTTC[T>C]CCTGGTCCTGGGCCACAGCTCGAAGGCGTGTCCAGCGCTGCCAGACGGTGGTCATTGACC-3'
Protein context (NP_892006.3, residues 5193-5213): TRLRAVAQDQ[Glu5203Gly]KILEDAVDEW